The following is an entry in ClinVar:

ClinVar aggregate classification (germline): Conflicting classifications of pathogenicity. Review status: criteria provided, conflicting classifications (1 of 4 stars). 18 submissions from 18 submitters: Uncertain significance (4); Likely benign (9). 5 of the submissions do not count toward it. Last evaluated 2026-07-01.

Conditions:
Walker-Warburg congenital muscular dystrophy. Also called: Muscular dystrophy-dystroglycanopathy, type A; Walker-Warburg syndrome. Identifiers: Orphanet 899, MedGen C0265221, MONDO:0000171.
Autosomal recessive limb-girdle muscular dystrophy type 2K. Also called: MUSCULAR DYSTROPHY, LIMB-GIRDLE, TYPE 2K; MUSCULAR DYSTROPHY-DYSTROGLYCANOPATHY (LIMB-GIRDLE), TYPE C, 1. Identifiers: Orphanet 86812, MedGen C1836373, MONDO:0012248, OMIM 609308.
Muscular dystrophy-dystroglycanopathy (congenital with impaired intellectual development), type B, 1. Also called: MUSCULAR DYSTROPHY, CONGENITAL, POMT1-RELATED; Muscular dystrophy-dystroglycanopathy (congenital with intellectual disability), type B1. Identifiers: MedGen C5436962, MONDO:0013159, OMIM 613155.
Muscular dystrophy-dystroglycanopathy (congenital with brain and eye anomalies), type A1 (MDDGA1). Also called: COD-MD SYNDROME; WALKER-WARBURG SYNDROME OR MUSCLE-EYE-BRAIN DISEASE, POMT1-RELATED; Hydrocephalus, agyria and retinal dysplasia; Hard +/- E syndrome; Warburg syndrome; Chemke syndrome. Identifiers: Orphanet 588, Orphanet 899, MedGen C4284790, MONDO:0009364, OMIM 236670.
Intellectual disability. Also called: Intellectual functioning disability; Intellectual developmental disorder; intellectual disabilities. Identifiers: MedGen C3714756, MeSH D008607, MONDO:0001071, HP:0001249.

Allele frequency attached by ClinVar (database versions not stated): ExAC 0.00125; gnomAD exomes 0.00169 and 0.00266; ESP Exome Variant Server 0.00103; TOPMed 0.00192; 1000 Genomes Project 0.00120; 1000 Genomes Project 30x 0.00141; gnomAD 0.00169 and 0.00173.
gnomAD v4.1: 3,960 of 1,552,060 alleles (0.26%); highest among the groups gnomAD compares: Non-Finnish European, 0.32%; 17 homozygotes.

Submissions (18):

CeGaT Center for Human Genetics Tuebingen
Classification: Likely benign. Last evaluated: 2026-07-01. Review status: criteria provided, single submitter. Criteria: CeGaT Center For Human Genetics Tuebingen Variant Classification Criteria Version 2. Collection method: clinical testing. Allele origin: germline. Affected: yes. Observed: 11 variant alleles.
Comment: POMT1: BP4, BS2

Labcorp Genetics (formerly Invitae), Labcorp
Classification: Likely benign for Muscular dystrophy-dystroglycanopathy (congenital with impaired intellectual development), type B, 1; Walker-Warburg congenital muscular dystrophy; Autosomal recessive limb-girdle muscular dystrophy type 2K. Last evaluated: 2026-02-01. Review status: criteria provided, single submitter. Criteria: Invitae Variant Classification Sherloc (09022015). Collection method: clinical testing. Allele origin: germline.

Mayo Clinic Laboratories, Mayo Clinic
Classification: Likely benign. Last evaluated: 2025-01-03. Review status: criteria provided, single submitter. Criteria: ACMG Guidelines, 2015. Collection method: clinical testing. Allele origin: germline. Observed: 10 variant alleles.
Comment: BS1, BP4_moderate

Athena Diagnostics
Classification: Likely benign. Last evaluated: 2024-12-23. Review status: criteria provided, single submitter. Criteria: Athena Diagnostics Criteria. Collection method: clinical testing. Allele origin: unknown.
Comment: The frequency of this variant in the general population is higher than would generally be expected for pathogenic variants in this gene. Computational tools predict this amino acid change may be benign.

Blueprint Genetics
Classification: Likely benign. Last evaluated: 2024-11-07. Review status: criteria provided, single submitter. Criteria: ACMG Guidelines, 2015. Collection method: clinical testing. Allele origin: germline.

GeneDx
Classification: Likely benign. Last evaluated: 2020-10-26. Review status: criteria provided, single submitter. Criteria: GeneDx Variant Classification Process June 2021. Collection method: clinical testing. Allele origin: germline. Affected: yes.
Comment: This variant is associated with the following publications: (PMID: 18647264, 16575835, 17878207)

Baylor Genetics
Classification: Uncertain significance for Muscular dystrophy-dystroglycanopathy (congenital with brain and eye anomalies), type A1. Last evaluated: 2019-03-07. Review status: criteria provided, single submitter. Criteria: ACMG Guidelines, 2015. Collection method: clinical testing. Allele origin: maternal. Affected: yes.
Comment: This variant was determined to be of uncertain significance according to ACMG Guidelines, 2015 [PMID:25741868].

Fulgent Genetics
Classification: Uncertain significance for Muscular dystrophy-dystroglycanopathy (congenital with brain and eye anomalies), type A1; Autosomal recessive limb-girdle muscular dystrophy type 2K; Muscular dystrophy-dystroglycanopathy (congenital with impaired intellectual development), type B, 1. Last evaluated: 2017-05-23. Review status: criteria provided, single submitter. Criteria: ACMG Guidelines, 2015. Collection method: clinical testing. Allele origin: unknown.

Illumina Laboratory Services, Illumina
Classification: Likely benign for Autosomal recessive limb-girdle muscular dystrophy type 2K. Last evaluated: 2017-04-27. Review status: criteria provided, single submitter. Criteria: ICSL Variant Classification Criteria 13 December 2019. Collection method: clinical testing. Allele origin: germline.
Comment: This variant was observed as part of a predisposition screen in an ostensibly healthy population. A literature search was performed for the gene, cDNA change, and amino acid change (where applicable). Publications were found based on this search. The evidence from the literature, in combination with allele frequency data from public databases where available, was sufficient to determine this variant is unlikely to cause disease. Therefore, this variant is classified as likely benign.

Center for Pediatric Genomic Medicine, Children's Mercy Hospital and Clinics
Classification: Uncertain significance. Last evaluated: 2016-08-19. Review status: criteria provided, single submitter. Criteria: ACMG Guidelines, 2015. Collection method: clinical testing. Allele origin: germline.
ClinVar note: Converted during submission from Uncertain Significance to Uncertain significance.

Eurofins Ntd Llc (ga)
Classification: Likely benign. Last evaluated: 2015-11-04. Review status: criteria provided, single submitter. Criteria: EGL Classification Definitions 2015. Collection method: clinical testing. Allele origin: germline. Observed: 9 variant alleles, 9 heterozygotes.

Genetic Services Laboratory, University of Chicago
Classification: Uncertain significance. Last evaluated: 2015-06-02. Review status: criteria provided, single submitter. Criteria: ACMG Guidelines, 2015. Collection method: clinical testing. Allele origin: germline.

PreventionGenetics, part of Exact Sciences
Classification: Likely benign. Review status: criteria provided, single submitter. Criteria: ACMG Guidelines, 2015. Collection method: clinical testing. Allele origin: germline.

Centre de Biologie Pathologie Génétique, Centre Hospitalier Universitaire de Lille
Classification: Uncertain significance for Intellectual disability. Last evaluated: 2019-01-01. Review status: no assertion criteria provided. Collection method: clinical testing. Allele origin: unknown. Affected: yes. Not counted in ClinVar's aggregate classification.

Clinical Genetics DNA and cytogenetics Diagnostics Lab, Erasmus MC, Erasmus Medical Center
Classification: Likely benign. Review status: no assertion criteria provided. Collection method: clinical testing. Allele origin: germline. Affected: yes. Study: VKGL Data-share Consensus. Not counted in ClinVar's aggregate classification.

Genome Diagnostics Laboratory, University Medical Center Utrecht
Classification: Likely benign. Review status: no assertion criteria provided. Collection method: clinical testing. Allele origin: germline. Affected: yes. Study: VKGL Data-share Consensus. Not counted in ClinVar's aggregate classification.

Joint Genome Diagnostic Labs from Nijmegen and Maastricht, Radboudumc and MUMC+
Classification: Benign. Review status: no assertion criteria provided. Collection method: clinical testing. Allele origin: germline. Affected: yes. Study: VKGL Data-share Consensus. Not counted in ClinVar's aggregate classification.

Laboratory of Diagnostic Genome Analysis, Leiden University Medical Center (LUMC)
Classification: Likely benign. Review status: no assertion criteria provided. Collection method: clinical testing. Allele origin: germline. Affected: yes. Study: VKGL Data-share Consensus. Not counted in ClinVar's aggregate classification.

Literature cited by the submitters: PubMed 16575835 (cited by 3 submitters); PubMed 18647264 (cited by Athena Diagnostics and Illumina Laboratory Services, Illumina).

NM_001077365.2(POMT1):c.1499G>A (p.Arg500Lys)

Gene: POMT1 (protein O-mannosyltransferase 1; plus strand). Cytogenetic location: 9q34.13.
Variant type: single nucleotide variant.
Coding change: c.1499G>A on transcript NM_001077365.2 (MANE Select); coding-DNA position 1499, G replaced by A.
Protein change: p.Arg500Lys; replaces arginine 500 with lysine.
Molecular consequence: missense variant. On other transcripts: non-coding transcript variant (10), intron variant (1).
Genome position (GRCh38, 1-based): chr9:131,519,401, G>A. VCF-style: chr9-131519401-G-A. GRCh37 (hg19) VCF-style: chr9-134394788-G-A.
Other names: c.1337G>A, p.Arg446Lys (NM_001077366.2, NM_001353194.2); c.1499G>A, p.Arg500Lys (NM_001136113.2); c.1148G>A, p.Arg383Lys (NM_001136114.2, NM_001353195.2, NM_001374691.1 and 2 more transcripts); c.1565G>A, p.Arg522Lys (NM_001353193.2, NM_007171.4); c.1409G>A, p.Arg470Lys (NM_001353196.2); c.1403G>A, p.Arg468Lys (NM_001353197.2, NM_001353198.2); c.1214G>A, p.Arg405Lys (NM_001353199.2); c.1043G>A, p.Arg348Lys (NM_001353200.2); and 3 more; short protein forms R522K, R383K, R405K, R446K, R348K, R468K, R500K, R470K.
Identifiers: ClinVar variation 95459 (VCV000095459.60), dbSNP rs117985576, ClinGen allele CA206170.